The following is an entry in ClinVar:

NM_001848.3(COL6A1):c.896G>A (p.Gly299Glu)

Gene: COL6A1 (collagen type VI alpha 1 chain; plus strand). Cytogenetic location: 21q22.3.
Variant type: single nucleotide variant.
Coding change: c.896G>A on transcript NM_001848.3 (MANE Select); coding-DNA position 896, G replaced by A.
Protein change: p.Gly299Glu; replaces glycine 299 with glutamic acid.
Molecular consequence: missense variant.
Genome position (GRCh38, 1-based): chr21:45,989,645, G>A. VCF-style: chr21-45989645-G-A. GRCh37 (hg19) VCF-style: chr21-47409559-G-A.
Identifiers: ClinVar variation 93896 (VCV000093896.20), dbSNP rs398123644, ClinGen allele CA221804.

ClinVar aggregate classification (germline): Pathogenic/Likely pathogenic. Review status: criteria provided, multiple submitters, no conflicts (2 of 4 stars). 4 submissions from 4 submitters: Pathogenic (1); Likely pathogenic (3). Last evaluated 2025-06-14.

Conditions:
COL6A1-related disorder. Also called: COL6A1-related condition.
Bethlem myopathy 1A. Also called: MYOPATHY, BENIGN CONGENITAL, WITH CONTRACTURES; Bethlem myopathy 1; Bethlem Muscular Dystrophy. Identifiers: Orphanet 610, MedGen CN029274, MONDO:0024530, OMIM 158810.

Submissions (4):

Labcorp Genetics (formerly Invitae), Labcorp
Classification: Pathogenic for Bethlem myopathy 1A. Last evaluated: 2025-06-14. Review status: criteria provided, single submitter. Criteria: Invitae Variant Classification Sherloc (09022015). Collection method: clinical testing. Allele origin: germline.
Comment: This sequence change replaces glycine, which is neutral and non-polar, with glutamic acid, which is acidic and polar, at codon 299 of the COL6A1 protein (p.Gly299Glu). This variant is not present in population databases (gnomAD no frequency). This missense change has been observed in individuals with clinical features of autosomal dominant collagen VI-related dystrophy (PMID: 25978941, 32528171, 34167565; internal data). ClinVar contains an entry for this variant (Variation ID: 93896). Invitae Evidence Modeling of protein sequence and biophysical properties (such as structural, functional, and spatial information, amino acid conservation, physicochemical variation, residue mobility, and thermodynamic stability) indicates that this missense variant is expected to disrupt COL6A1 protein function with a positive predictive value of 80%. This variant disrupts the triple helix domain of COL6A1. Glycine residues within the Gly-Xaa-Yaa repeats of the triple helix domain are required for the structure and stability of fibrillar collagens (PMID: 7695699, 8218237, 19344236). In COL6A1, variants at these glycine residues are significantly enriched in individuals with autosomal dominant disease (PMID: 15689448, 24038877) compared to the general population (ExAC). This variant disrupts the p.Gly299 amino acid residue in COL6A1. Other variant(s) that disrupt this residue have been observed in individuals with COL6A1-related conditions (PMID: 20976770), which suggests that this may be a clinically significant amino acid residue. For these reasons, this variant has been classified as Pathogenic.

Revvity Omics, Revvity
Classification: Likely pathogenic. Last evaluated: 2019-06-07. Review status: criteria provided, single submitter. Criteria: ACMG Guidelines, 2015. Collection method: clinical testing. Allele origin: germline.

Blueprint Genetics
Classification: Likely pathogenic for COL6A1-related disorders. Last evaluated: 2017-08-30. Review status: criteria provided, single submitter. Criteria: ACMG Guidelines, 2015. Collection method: clinical testing. Allele origin: germline. Affected: yes. Observed: 1 variant allele.

Eurofins Ntd Llc (ga)
Classification: Likely pathogenic. Last evaluated: 2012-12-28. Review status: criteria provided, single submitter. Criteria: EGL Classification Definitions. Collection method: clinical testing. Allele origin: germline. Observed: 1 variant allele, 1 heterozygote.

Literature cited by the submitters: PubMed 25978941 (cited by Labcorp Genetics (formerly Invitae), Labcorp); PubMed 32528171 (cited by Labcorp Genetics (formerly Invitae), Labcorp); PubMed 34167565 (cited by Labcorp Genetics (formerly Invitae), Labcorp); PubMed 7695699 (cited by Labcorp Genetics (formerly Invitae), Labcorp); PubMed 8218237 (cited by Labcorp Genetics (formerly Invitae), Labcorp); PubMed 19344236 (cited by Labcorp Genetics (formerly Invitae), Labcorp); PubMed 15689448 (cited by Labcorp Genetics (formerly Invitae), Labcorp); PubMed 24038877 (cited by Labcorp Genetics (formerly Invitae), Labcorp); PubMed 20976770 (cited by Labcorp Genetics (formerly Invitae), Labcorp).